The following is an entry in ClinVar:

NM_001378615.1(CC2D2A):c.190del (p.Val64fs)

Genes: CC2D2A (coiled-coil and C2 domain containing 2A; plus strand), FBXL5 (F-box and leucine rich repeat protein 5; minus strand). Cytogenetic location: 4p15.32.
Variant type: Deletion.
Coding change: c.190del on transcript NM_001378615.1 (MANE Select); coding-DNA position 190, one base deleted (G; older notation c.190delG).
Protein change: p.Val64fs; shifts the reading frame from valine 64.
Molecular consequence: frameshift variant.
Genome position (GRCh38, 1-based): chr4:15,480,770, G deleted. VCF-style (leftmost placement, unchanged base first): chr4-15480769-TG-T. GRCh37 (hg19) VCF-style: chr4-15482393-TG-T.
Other names: c.190del, p.Val64fs (NM_001080522.2, NM_001164720.3); c.43del, p.Val15fs (NM_001378617.1); c.296del, p.Cys99fs (NM_020785.2); short protein forms C99fs, V15fs, V64fs.
Identifiers: ClinVar variation 5015043 (VCV005015043.1).

ClinVar aggregate classification (germline): Pathogenic (1 of 4 stars; one submission).

Conditions:
Joubert syndrome and related disorders. Identifiers: Orphanet 140874, MedGen C5679612, MONDO:0015369.

Submission:

Myriad Genetics, Inc.
Classification: Pathogenic for Joubert syndrome and related disorders. Last evaluated: 2025-10-03. Review status: criteria provided, single submitter. Criteria: Myriad Autosomal Dominant, Autosomal Recessive and X-Linked Classification Criteria (2023). Collection method: clinical testing. Allele origin: unknown.
Comment: NM_001080522.2(CC2D2A):c.190delG(V64Cfs*10) is expected to be pathogenic in the context of CC2D2A-related disorders. This variant is predicted to lead to an abnormal or absent protein product due to the creation of a premature termination codon in CC2D2A, a gene where loss-of-function variants are known to be pathogenic. Please note: this variant was assessed in the context of healthy population screening.